The following is an entry in ClinVar:

ClinVar aggregate classification (germline): Uncertain significance. Review status: criteria provided, multiple submitters, no conflicts (2 of 4 stars). 3 submissions from 3 submitters: Uncertain significance (3). Last evaluated 2026-01-29.

Conditions:
Inborn genetic diseases. Identifiers: MedGen C0950123, MeSH D030342.
Hypogonadotropic hypogonadism 3 with or without anosmia (HH3). Also called: HYPOGONADOTROPIC HYPOGONADISM 3 WITH ANOSMIA; PROKR2-Related GnRH Deficiency (Kallmann Syndrome 3). Identifiers: Orphanet 478, MedGen C3550478, MONDO:0009482, OMIM 244200.

gnomAD v4.1: 29 of 1,614,162 alleles (0.0018%); highest among the groups gnomAD compares: South Asian, 0.0077%; no homozygotes.

Submissions (3):

Dasa
Classification: Uncertain significance. Last evaluated: 2026-01-29. Review status: criteria provided, single submitter. Criteria: DASA Assertion Criteria. Collection method: clinical testing. Allele origin: germline.
Comment: NM_144773.4(PROKR2):c.586G>A (p.Val196Ile) is a missense variant that results in the substitution of valine with isoleucine. This variant is rare in population databases. Computational prediction algorithms are consistent with a benign effect. The currently available literature and clinical evidence are not sufficient to establish a definitive association between this variant and the reported condition. Therefore, this variant is classified as a variant of uncertain significance.

Ambry Genetics
Classification: Uncertain significance for Inborn genetic diseases. Last evaluated: 2025-08-26. Review status: criteria provided, single submitter. Criteria: Ambry Variant Classification Scheme 2023. Collection method: clinical testing. Allele origin: germline.

Fulgent Genetics
Classification: Uncertain significance for Hypogonadotropic hypogonadism 3 with or without anosmia. Last evaluated: 2024-06-13. Review status: criteria provided, single submitter. Criteria: ACMG Guidelines, 2015. Collection method: clinical testing. Allele origin: germline.

NM_144773.4(PROKR2):c.586G>A (p.Val196Ile)

Gene: PROKR2 (prokineticin receptor 2; minus strand). Cytogenetic location: 20p12.3.
Variant type: single nucleotide variant.
Coding change: c.586G>A on transcript NM_144773.4 (MANE Select); coding-DNA position 586, G replaced by A.
Protein change: p.Val196Ile; replaces valine 196 with isoleucine.
Molecular consequence: missense variant.
Genome position (GRCh38, 1-based): chr20:5,302,609, C>T on the plus strand (G>A on the coding strand, the complement: PROKR2 is on the minus strand). VCF-style: chr20-5302609-C-T. GRCh37 (hg19) VCF-style: chr20-5283255-C-T.
Other names: c.586G>A (NM_144773.2); short protein forms V196I.
Identifiers: ClinVar variation 3587519 (VCV003587519.4).